The following is an entry in ClinVar:

NM_004655.4(AXIN2):c.1183C>A (p.Leu395Met)

Gene: AXIN2 (axin 2; minus strand). Cytogenetic location: 17q24.1.
Variant type: single nucleotide variant.
Coding change: c.1183C>A on transcript NM_004655.4 (MANE Select); coding-DNA position 1183, C replaced by A.
Protein change: p.Leu395Met; replaces leucine 395 with methionine.
Molecular consequence: missense variant.
Genome position (GRCh38, 1-based): chr17:65,538,220, G>T on the plus strand (C>A on the coding strand, the complement: AXIN2 is on the minus strand). VCF-style: chr17-65538220-G-T. GRCh37 (hg19) VCF-style: chr17-63534338-G-T.
Other names: c.1183C>A, p.Leu395Met (NM_001363813.1); short protein forms L395M.
Identifiers: ClinVar variation 1464607 (VCV001464607.8), dbSNP rs373087123, ClinGen allele CA400678174.

ClinVar aggregate classification (germline): Uncertain significance (1 of 4 stars; one submission).

Conditions:
Oligodontia-cancer predisposition syndrome. Also called: TOOTH AGENESIS-COLORECTAL CANCER SYNDROME. Identifiers: Orphanet 300576, MedGen C1837750, MONDO:0012075, OMIM 608615. Disease mechanism: loss of function.

Submission:

Labcorp Genetics (formerly Invitae), Labcorp
Classification: Uncertain significance for Oligodontia-cancer predisposition syndrome. Last evaluated: 2022-07-19. Review status: criteria provided, single submitter. Criteria: Invitae Variant Classification Sherloc (09022015). Collection method: clinical testing. Allele origin: germline.
Comment: In summary, the available evidence is currently insufficient to determine the role of this variant in disease. Therefore, it has been classified as a Variant of Uncertain Significance. Algorithms developed to predict the effect of missense changes on protein structure and function are either unavailable or do not agree on the potential impact of this missense change (SIFT: "Tolerated"; PolyPhen-2: "Probably Damaging"; Align-GVGD: "Class C0"). ClinVar contains an entry for this variant (Variation ID: 1464607). This variant has not been reported in the literature in individuals affected with AXIN2-related conditions. This variant is not present in population databases (gnomAD no frequency). This sequence change replaces leucine, which is neutral and non-polar, with methionine, which is neutral and non-polar, at codon 395 of the AXIN2 protein (p.Leu395Met).